The following is an entry in ClinVar:

NM_000455.5(STK11):c.134_141del (p.Leu45fs)

Gene: STK11 (serine/threonine kinase 11; plus strand). Cytogenetic location: 19p13.3.
Variant type: Deletion.
Coding change: c.134_141del on transcript NM_000455.5 (MANE Select); coding-DNA positions 134 to 141, 8 bases deleted (TCATCGGC; older notation c.134_141delTCATCGGC).
Protein change: p.Leu45fs; shifts the reading frame from leucine 45.
Molecular consequence: frameshift variant. On other transcripts: non-coding transcript variant (1).
Genome position (GRCh38, 1-based): chr19:1,207,047-1,207,054, TCATCGGC deleted; deleting any 8 consecutive bases within chr19:1,207,045-1,207,054 gives the same sequence; the c. name uses the placement nearest the transcript's 3' end. VCF-style (leftmost placement, unchanged base first): chr19-1207044-AGCTCATCG-A. GRCh37 (hg19) VCF-style: chr19-1207043-AGCTCATCG-A.
Other names: c.134_141del, p.Leu45fs (NM_001407255.1); short protein forms L45fs.
Identifiers: ClinVar variation 3652829 (VCV003652829.2).

ClinVar aggregate classification (germline): Pathogenic (1 of 4 stars; one submission).

Conditions:
Peutz-Jeghers syndrome (PJS). Also called: POLYPOSIS, HAMARTOMATOUS INTESTINAL; POLYPS-AND-SPOTS SYNDROME; Peutz-Jeghers polyposis; Periorificial lentiginosis syndrome. Identifiers: Orphanet 2869, MedGen C0031269, MeSH D010580, MONDO:0008280, OMIM 175200.

Submission:

Labcorp Genetics (formerly Invitae), Labcorp
Classification: Pathogenic for Peutz-Jeghers syndrome. Last evaluated: 2024-07-24. Review status: criteria provided, single submitter. Criteria: Invitae Variant Classification Sherloc (09022015). Collection method: clinical testing. Allele origin: germline.
Comment: This sequence change creates a premature translational stop signal (p.Leu45Glnfs*115) in the STK11 gene. It is expected to result in an absent or disrupted protein product. Loss-of-function variants in STK11 are known to be pathogenic (PMID: 15188174, 16287113). This variant is not present in population databases (gnomAD no frequency). This variant has not been reported in the literature in individuals affected with STK11-related conditions. For these reasons, this variant has been classified as Pathogenic.

Literature cited by the submitters: PubMed 15188174; PubMed 16287113.